The following is an entry in ClinVar:

NM_005029.4(PITX3):c.55T>A (p.Ser19Thr)

Genes: GBF1 (golgi brefeldin A resistant guanine nucleotide exchange factor 1; plus strand), PITX3 (paired like homeodomain 3; minus strand). Cytogenetic location: 10q24.32.
Variant type: single nucleotide variant.
Coding change: c.55T>A on transcript NM_005029.4 (MANE Select); coding-DNA position 55, T replaced by A.
Protein change: p.Ser19Thr; replaces serine 19 with threonine.
Molecular consequence: missense variant.
Genome position (GRCh38, 1-based): chr10:102,232,026, A>T on the plus strand (T>A on the coding strand, the complement: PITX3 is on the minus strand). VCF-style: chr10-102232026-A-T. GRCh37 (hg19) VCF-style: chr10-103991783-A-T.
Other names: c.55T>A (NM_005029.3); short protein forms S19T.
Identifiers: ClinVar variation 1025063 (VCV001025063.9), dbSNP rs972747798, ClinGen allele CA212292387.

ClinVar aggregate classification (germline): Uncertain significance. Review status: criteria provided, multiple submitters, no conflicts (2 of 4 stars). 2 submissions from 2 submitters: Uncertain significance (2). Last evaluated 2025-08-09.

Conditions:
Inborn genetic diseases. Identifiers: MedGen C0950123, MeSH D030342.

Allele frequency attached by ClinVar (database versions not stated): gnomAD exomes below 0.00001; TOPMed below 0.00001.
gnomAD v4.1: 3 of 1,608,750 alleles (0.00019%); highest among the groups gnomAD compares: Admixed American, 0.0017%; no homozygotes.

Submissions (2):

Ambry Genetics
Classification: Uncertain significance for Inborn genetic diseases. Last evaluated: 2025-08-09. Review status: criteria provided, single submitter. Criteria: Ambry Variant Classification Scheme 2023. Collection method: clinical testing. Allele origin: germline.

Labcorp Genetics (formerly Invitae), Labcorp
Classification: Uncertain significance. Last evaluated: 2020-10-25. Review status: criteria provided, single submitter. Criteria: Invitae Variant Classification Sherloc (09022015). Collection method: clinical testing. Allele origin: germline.
Comment: In summary, the available evidence is currently insufficient to determine the role of this variant in disease. Therefore, it has been classified as a Variant of Uncertain Significance. Algorithms developed to predict the effect of missense changes on protein structure and function are either unavailable or do not agree on the potential impact of this missense change (SIFT: "Deleterious"; PolyPhen-2: "Possibly Damaging"; Align-GVGD: "Class C0"). This variant has not been reported in the literature in individuals with PITX3-related conditions. This variant is not present in population databases (ExAC no frequency). This sequence change replaces serine with threonine at codon 19 of the PITX3 protein (p.Ser19Thr). The serine residue is highly conserved and there is a small physicochemical difference between serine and threonine.